The following is an entry in ClinVar:

NM_001378609.3(OTOGL):c.2984A>G (p.Asn995Ser)

Gene: OTOGL (otogelin like; plus strand). Cytogenetic location: 12q21.31.
Variant type: single nucleotide variant.
Coding change: c.2984A>G on transcript NM_001378609.3 (MANE Select); coding-DNA position 2984, A replaced by G.
Protein change: p.Asn995Ser; replaces asparagine 995 with serine.
Molecular consequence: missense variant. On other transcripts: intron variant (1).
Genome position (GRCh38, 1-based): chr12:80,296,882, A>G. VCF-style: chr12-80296882-A-G. GRCh37 (hg19) VCF-style: chr12-80690662-A-G.
Other names: c.2984A>G, p.Asn995Ser (NM_001378610.3, NM_173591.7); c.2929-5752A>G (NM_001368062.3); short protein forms N995S.
Identifiers: ClinVar variation 2663157 (VCV002663157.1), dbSNP rs1289229992, ClinGen allele CA385858568.
Genomic context (GRCh38, chr12:80,296,882, plus strand): 5'-TTCAGAGTGCAGATGATTCAGATATATCTGTCATTGCCCAGAACAAGAAATGCTTTGACA[A>G]CGATATTGTTTGTTCTAAAAGTGTTTTGATTTCAGTTGGGGACACTGAAATTTACCTGAA-3'
Protein context (NP_001365538.2, residues 985-1005): VIAQNKKCFD[Asn995Ser]DIVCSKSVLI

ClinVar aggregate classification (germline): Uncertain significance (1 of 4 stars; one submission).

Allele frequency attached by ClinVar (database versions not stated): gnomAD 0.00001; gnomAD exomes 0.00002; TOPMed 0.00002.
gnomAD v4.1: 34 of 1,531,854 alleles (0.0022%); highest among the groups gnomAD compares: Non-Finnish European, 0.0028%; no homozygotes.

Submission:

GeneDx
Classification: Uncertain significance. Last evaluated: 2023-05-08. Review status: criteria provided, single submitter. Criteria: GeneDx Variant Classification Process June 2021. Collection method: clinical testing. Allele origin: germline. Affected: yes.
Comment: Not observed at significant frequency in large population cohorts (gnomAD); In silico analysis supports that this missense variant does not alter protein structure/function; Has not been previously published as pathogenic or benign to our knowledge